The following is an entry in ClinVar:

ClinVar aggregate classification (germline): Likely pathogenic. Review status: criteria provided, multiple submitters, no conflicts (2 of 4 stars). 3 submissions from 3 submitters: Likely pathogenic (2). 1 of the submissions does not count toward it. Last evaluated 2026-06-12.

Conditions:
BBS5-related disorder. Also called: BBS5-related condition.
Bardet-Biedl syndrome 5 (BBS5). Identifiers: Orphanet 110, MedGen C3892039, MONDO:0014434, OMIM 615983.

Allele frequency attached by ClinVar (database versions not stated): gnomAD 0.00001; TOPMed 0.00002.

Submissions (3):

PreventionGenetics, part of Exact Sciences
Classification: Likely pathogenic for BBS5-related condition. Last evaluated: 2026-06-12. Review status: criteria provided, single submitter. Criteria: ACMG Guidelines, 2015. Collection method: clinical testing. Allele origin: germline.
Comment: The BBS5 c.959delT variant is predicted to result in a frameshift and premature protein termination (p.Leu320Argfs*5). To our knowledge, this variant has not been reported in the literature or in a large population database (gnomAD), indicating this variant is rare. Frameshift variants in BBS5 are expected to be pathogenic. This variant occurs within the last exon, however downstream causative loss-of-function variants have been reported. This variant is interpreted as likely pathogenic.

Fulgent Genetics
Classification: Likely pathogenic for Bardet-Biedl syndrome 5. Last evaluated: 2024-02-14. Review status: criteria provided, single submitter. Criteria: ACMG Guidelines, 2015. Collection method: clinical testing. Allele origin: germline.

Gharavi Laboratory, Columbia University
Classification: Uncertain significance. Last evaluated: 2018-09-16. Review status: no assertion criteria provided. Criteria: ACMG Guidelines, 2015. Collection method: research. Allele origin: germline. Affected: yes. Not counted in ClinVar's aggregate classification.

NM_152384.3(BBS5):c.959del (p.Leu320fs)

Gene: BBS5 (Bardet-Biedl syndrome 5; plus strand). Cytogenetic location: 2q31.1.
Variant type: Deletion.
Coding change: c.959del on transcript NM_152384.3 (MANE Select); coding-DNA position 959, one base deleted (T; older notation c.959delT).
Protein change: p.Leu320fs; shifts the reading frame from leucine 320.
Molecular consequence: frameshift variant.
Genome position (GRCh38, 1-based): chr2:169,504,515, T deleted. VCF-style (leftmost placement, unchanged base first): chr2-169504514-CT-C. GRCh37 (hg19) VCF-style: chr2-170361024-CT-C.
Other names: c.959delT (NM_152384.2); short protein forms L320fs.
Identifiers: ClinVar variation 591025 (VCV000591025.3), dbSNP rs1559126736, ClinGen allele CA891862794.
Genomic context (GRCh38, chr2:169,504,514, plus strand): 5'-CATCTTATCCTCCTGTCTCCCAAAAAGCAACAAGATCGTGAACCTGTATTTTCAGAAGAA[CT>C]GGGGCTTGCAATAGAGAAATTGAAGGATGGATTCACCCTACAGGGACTTTGGGAAGTAAT-3'